The following is an entry in ClinVar:

ClinVar aggregate classification (germline): Uncertain significance (1 of 4 stars; one submission).

Conditions:
Hereditary cancer-predisposing syndrome. Also called: Neoplastic Syndromes, Hereditary; Hereditary Cancer Syndrome; Tumor predisposition; Hereditary neoplastic syndrome. Identifiers: Orphanet 140162, MedGen C0027672, MeSH D009386, MONDO:0015356.

Submission:

Ambry Genetics
Classification: Uncertain significance for Hereditary cancer-predisposing syndrome. Last evaluated: 2022-12-24. Review status: criteria provided, single submitter. Criteria: Ambry Variant Classification Scheme 2023. Collection method: clinical testing. Allele origin: germline.
Comment: The p.T491A variant (also known as c.1471A>G), located in coding exon 10 of the FLCN gene, results from an A to G substitution at nucleotide position 1471. The threonine at codon 491 is replaced by alanine, an amino acid with similar properties. This amino acid position is conserved. In addition, this alteration is predicted to be tolerated by in silico analysis. Since supporting evidence is limited at this time, the clinical significance of this alteration remains unclear.

NM_144997.7(FLCN):c.1471A>G (p.Thr491Ala)

Gene: FLCN (folliculin; minus strand). Cytogenetic location: 17p11.2.
Variant type: single nucleotide variant.
Coding change: c.1471A>G on transcript NM_144997.7 (MANE Select); coding-DNA position 1471, A replaced by G.
Protein change: p.Thr491Ala; replaces threonine 491 with alanine.
Molecular consequence: missense variant.
Genome position (GRCh38, 1-based): chr17:17,215,052, T>C on the plus strand (A>G on the coding strand, the complement: FLCN is on the minus strand). VCF-style: chr17-17215052-T-C. GRCh37 (hg19) VCF-style: chr17-17118366-T-C.
Other names: c.1525A>G, p.Thr509Ala (NM_001353229.2); c.1471A>G, p.Thr491Ala (NM_001353230.2, NM_001353231.2); short protein forms T491A, T509A.
Identifiers: ClinVar variation 2447062 (VCV002447062.2), dbSNP rs2544141895, ClinGen allele CA398530934.